The following is an entry in ClinVar:

NM_000152.5(GAA):c.2395del (p.His799fs)

Gene: GAA (alpha glucosidase; plus strand). Cytogenetic location: 17q25.3.
Variant type: Deletion.
Coding change: c.2395del on transcript NM_000152.5 (MANE Select); coding-DNA position 2395, one base deleted (C; older notation c.2395delC).
Protein change: p.His799fs; shifts the reading frame from histidine 799.
Molecular consequence: frameshift variant.
Genome position (GRCh38, 1-based): chr17:80,117,663, C deleted; the last of 2 consecutive C bases (chr17:80,117,662-80,117,663); deleting either gives the same sequence. VCF-style (leftmost placement, unchanged base first): chr17-80117661-TC-T. GRCh37 (hg19) VCF-style: chr17-78091460-TC-T.
Other names: c.2395del, p.His799fs (NM_001079803.3, NM_001079804.3); c.2395delC, p.His799Thrfs (NM_001406741.1, NM_001406742.1); short protein forms H799fs.
Identifiers: ClinVar variation 1725851 (VCV001725851.2), dbSNP rs2510399226, ClinGen allele CA2580095283.

ClinVar aggregate classification (germline): Likely pathogenic (1 of 4 stars; one submission).

Conditions:
Glycogen storage disease, type II (IOPD). Also called: POMPE DISEASE, INFANTILE-ONSET; GLYCOGEN STORAGE DISEASE II, INFANTILE-ONSET; ACID ALPHA-GLUCOSIDASE DEFICIENCY, INFANTILE-ONSET; GAA DEFICIENCY, INFANTILE-ONSET; ACID MALTASE DEFICIENCY, INFANTILE-ONSET; CARDIOMEGALIA GLYCOGENICA DIFFUSA. Identifiers: Orphanet 365, MedGen C0017921, MONDO:0009290, OMIM 232300.

Submission:

Myriad Genetics, Inc.
Classification: Likely pathogenic for Glycogen storage disease, type II. Last evaluated: 2022-04-04. Review status: criteria provided, single submitter. Criteria: Myriad Women's Health Autosomal Recessive and X-Linked Classification Criteria (2021). Collection method: clinical testing. Allele origin: unknown.
Comment: NM_000152.3(GAA):c.2395delC(H799Tfs*7) is expected to be pathogenic in the context of Pompe disease. This variant is predicted to lead to an abnormal or absent protein product due to the creation of a premature termination codon in GAA, a gene where loss-of-function variants are known to be pathogenic. Please note: this variant was assessed in the context of healthy population screening.